The following is an entry in ClinVar:

NM_018671.5(UNC45A):c.2342A>T (p.Glu781Val)

Genes: RCCD1-AS1 (RCCD1 and UNC45A antisense RNA 1; minus strand), UNC45A (unc-45 myosin chaperone A; plus strand). Cytogenetic location: 15q26.1.
Variant type: single nucleotide variant.
Coding change: c.2342A>T on transcript NM_018671.5 (MANE Select); coding-DNA position 2342, A replaced by T.
Protein change: p.Glu781Val; replaces glutamic acid 781 with valine.
Molecular consequence: missense variant. On other transcripts: non-coding transcript variant (1).
Genome position (GRCh38, 1-based): chr15:90,952,967, A>T. VCF-style: chr15-90952967-A-T. GRCh37 (hg19) VCF-style: chr15-91496197-A-T.
Other names: c.2297A>T (NM_001039675.1); c.2297A>T, p.Glu766Val (NM_001039675.2, NM_001323621.2); c.2342A>T, p.Glu781Val (NM_001323619.1); c.1907A>T, p.Glu636Val (NM_001323620.2); short protein forms E766V, E781V, E636V.
Identifiers: ClinVar variation 1944228 (VCV001944228.6), dbSNP rs150796286, ClinGen allele CA274753623.

ClinVar aggregate classification (germline): Uncertain significance. Review status: criteria provided, multiple submitters, no conflicts (2 of 4 stars). 2 submissions from 2 submitters: Uncertain significance (2). Last evaluated 2023-06-20.

Allele frequency attached by ClinVar (database versions not stated): TOPMed below 0.00001; ESP Exome Variant Server 0.00008.

Submissions (2):

GeneDx
Classification: Uncertain significance. Last evaluated: 2023-06-20. Review status: criteria provided, single submitter. Criteria: GeneDx Variant Classification Process June 2021. Collection method: clinical testing. Allele origin: germline. Affected: yes.
Comment: Not observed at significant frequency in large population cohorts (gnomAD); In silico analysis supports that this missense variant has a deleterious effect on protein structure/function; Has not been previously published as pathogenic or benign to our knowledge

Labcorp Genetics (formerly Invitae), Labcorp
Classification: Uncertain significance. Last evaluated: 2023-05-09. Review status: criteria provided, single submitter. Criteria: Invitae Variant Classification Sherloc (09022015). Collection method: clinical testing. Allele origin: germline.
Comment: In summary, the available evidence is currently insufficient to determine the role of this variant in disease. Therefore, it has been classified as a Variant of Uncertain Significance. Advanced modeling of protein sequence and biophysical properties (such as structural, functional, and spatial information, amino acid conservation, physicochemical variation, residue mobility, and thermodynamic stability) performed at Invitae indicates that this missense variant is expected to disrupt UNC45A protein function. ClinVar contains an entry for this variant (Variation ID: 1944228). This variant has not been reported in the literature in individuals affected with UNC45A-related conditions. This variant is not present in population databases (gnomAD no frequency). This sequence change replaces glutamic acid, which is acidic and polar, with valine, which is neutral and non-polar, at codon 781 of the UNC45A protein (p.Glu781Val).